The following is an entry in ClinVar:

ClinVar aggregate classification (germline): Likely benign (0 of 4 stars; one submission).

Conditions:
SIM1-related disorder. Also called: SIM1-related condition; SIM1-related disorders.

Submission:

PreventionGenetics, part of Exact Sciences
Classification: Likely benign for SIM1-related condition. Last evaluated: 2023-02-03. Review status: no assertion criteria provided. Collection method: clinical testing. Allele origin: germline.
Comment: This variant is classified as likely benign based on ACMG/AMP sequence variant interpretation guidelines (Richards et al. 2015 PMID: 25741868, with internal and published modifications).

NM_005068.3(SIM1):c.774G>A (p.Gln258=)

Gene: SIM1 (SIM bHLH transcription factor 1; minus strand). Cytogenetic location: 6q16.3.
Variant type: single nucleotide variant.
Coding change: c.774G>A on transcript NM_005068.3 (MANE Select); coding-DNA position 774, G replaced by A.
Protein change: p.Gln258=; no amino-acid change (glutamine 258 retained).
Molecular consequence: synonymous variant.
Genome position (GRCh38, 1-based): chr6:100,448,222, C>T on the plus strand (G>A on the coding strand, the complement: SIM1 is on the minus strand). VCF-style: chr6-100448222-C-T. GRCh37 (hg19) VCF-style: chr6-100896098-C-T.
Other names: c.774G>A, p.Gln258= (NM_001374769.1).
Identifiers: ClinVar variation 3356458 (VCV003356458.1).